The following is an entry in ClinVar:

NM_000133.4(F9):c.1213G>T (p.Asp405Tyr)

Gene: F9 (coagulation factor IX; plus strand). Cytogenetic location: Xq27.1.
Variant type: single nucleotide variant.
Coding change: c.1213G>T on transcript NM_000133.4 (MANE Select); coding-DNA position 1213, G replaced by T.
Protein change: p.Asp405Tyr; replaces aspartic acid 405 with tyrosine.
Molecular consequence: missense variant.
Genome position (GRCh38, 1-based): chrX:139,561,898, G>T. VCF-style: chrX-139561898-G-T. GRCh37 (hg19) VCF-style: chrX-138644057-G-T.
Other names: c.1099G>T, p.Asp367Tyr (NM_001313913.2); short protein forms D367Y, D405Y.
Identifiers: ClinVar variation 2953113 (VCV002953113.3), dbSNP rs1928123614, ClinGen allele CA414446522.
Genomic context (GRCh38, chrX:139,561,898, plus strand): 5'-TCTACAAAGTTCACCATCTATAACAACATGTTCTGTGCTGGCTTCCATGAAGGAGGTAGA[G>T]ATTCATGTCAAGGAGATAGTGGGGGACCCCATGTTACTGAAGTGGAAGGGACCAGTTTCT-3'
Protein context (NP_000124.1, residues 395-415): FCAGFHEGGR[Asp405Tyr]SCQGDSGGPH

ClinVar aggregate classification (germline): Uncertain significance (1 of 4 stars; one submission).

Conditions:
Thrombophilia, X-linked, due to factor 9 defect. Identifiers: MedGen C2749016, MONDO:0010432, OMIM 300807.
Hereditary factor IX deficiency disease (HEMB). Also called: Christmas Disease; F9 DEFICIENCY; FACTOR IX DEFICIENCY; PLASMA THROMBOPLASTIN COMPONENT DEFICIENCY; Hemophilia B. Identifiers: Orphanet 98879, MedGen C0008533, MeSH D002836, MONDO:0010604, OMIM 306900.

Submission:

Labcorp Genetics (formerly Invitae), Labcorp
Classification: Uncertain significance for Thrombophilia, X-linked, due to factor 9 defect; Hereditary factor IX deficiency disease. Last evaluated: 2023-10-20. Review status: criteria provided, single submitter. Criteria: Invitae Variant Classification Sherloc (09022015). Collection method: clinical testing. Allele origin: germline.
Comment: This sequence change replaces aspartic acid, which is acidic and polar, with tyrosine, which is neutral and polar, at codon 405 of the F9 protein (p.Asp405Tyr). This variant is not present in population databases (gnomAD no frequency). This missense change has been observed in individual(s) with factor IX deficiency (Invitae). Advanced modeling of protein sequence and biophysical properties (such as structural, functional, and spatial information, amino acid conservation, physicochemical variation, residue mobility, and thermodynamic stability) performed at Invitae indicates that this missense variant is expected to disrupt F9 protein function. This variant disrupts the p.Asp405 amino acid residue in F9. Other variant(s) that disrupt this residue have been observed in individuals with F9-related conditions (PMID: 7937052, 10874302, 25582609), which suggests that this may be a clinically significant amino acid residue. In summary, the available evidence is currently insufficient to determine the role of this variant in disease. Therefore, it has been classified as a Variant of Uncertain Significance.

Literature cited by the submitters: PubMed 7937052; PubMed 10874302; PubMed 25582609.